The following is an entry in ClinVar:

Conditions:
Breast-ovarian cancer, familial, susceptibility to, 1 (BROVCA1). Also called: BRCA1 Hereditary Breast and Ovarian Cancer; OVARIAN CANCER, SUSCEPTIBILITY TO. Identifiers: Orphanet 145, MedGen C2676676, MONDO:0011450, OMIM 604370. Disease mechanism: loss of function.

Submission:

Brotman Baty Institute, University of Washington
No classification provided (evidence only). Condition: Breast-ovarian cancer, familial 1. Review status: no classification provided. Collection method: in vitro. Allele origin: not applicable. Functional consequence: functionally_abnormal.
ClinVar note: "not provided" was previously submitted as the classification for the variant. However, the classification appeared to be based only on an observation of functional data so it was converted to no classification on 2025-07-30.

NM_007294.4(BRCA1):c.5063T>G (p.Val1688Gly)

Gene: BRCA1 (BRCA1 DNA repair associated; minus strand). Cytogenetic location: 17q21.31.
Variant type: single nucleotide variant.
Coding change: c.5063T>G on transcript NM_007294.4 (MANE Select); coding-DNA position 5063, T replaced by G.
Protein change: p.Val1688Gly; replaces valine 1688 with glycine.
Molecular consequence: missense variant. On other transcripts: non-coding transcript variant (1).
Genome position (GRCh38, 1-based): chr17:43,067,619, A>C on the plus strand (T>G on the coding strand, the complement: BRCA1 is on the minus strand). VCF-style: chr17-43067619-A-C. GRCh37 (hg19) VCF-style: chr17-41219636-A-C.
Other names: c.1751T>G, p.Val584Gly (NM_001407979.1, NM_001407980.1, NM_001407981.1 and 13 more transcripts); c.1748T>G, p.Val583Gly (NM_001408399.1, NM_001408400.1, NM_001408401.1 and 8 more transcripts); c.1745T>G, p.Val582Gly (NM_001408406.1, NM_001408407.1, NM_001408408.1); c.1637T>G, p.Val546Gly (NM_001408420.1, NM_001408418.1, NM_001408419.1); c.1634T>G, p.Val545Gly (NM_001408421.1, NM_001408422.1, NM_001408423.1 and 1 more transcripts); c.1631T>G, p.Val544Gly (NM_001408425.1, NM_001408426.1, NM_001408427.1 and 4 more transcripts); c.1628T>G, p.Val543Gly (NM_001408439.1, NM_001408440.1, NM_001408441.1 and 10 more transcripts); c.1625T>G, p.Val542Gly (NM_001408445.1, NM_001408446.1, NM_001408447.1 and 2 more transcripts); and 70 more; short protein forms V1709G, V1641G, V1688G, V584G, V1519G, V1559G, V1575G, V1600G.
Identifiers: ClinVar variation 864895 (VCV000864895.3), dbSNP rs1597825664, ClinGen allele CA10591392.
Genomic context (GRCh38, chr17:43,067,619, plus strand): 5'-TGGTTTTATGCAGCAGATGCAAGGTATTCTGTAAAGGTTCTTGGTATACCTGTTTTCATA[A>C]CAACATGAGTAGTCTCTTCAGTAATTAGATTAGTTAAAGTGATGTGGTGTTTTCTGGCAA-3'
Protein context (NP_009225.1, residues 1678-1698): NLITEETTHV[Val1688Gly]MKTDAEFVCE